The following is an entry in ClinVar:

ClinVar aggregate classification (germline): Uncertain significance (1 of 4 stars; one submission).

Conditions:
Nemaline myopathy 6 (NEM6). Also called: Nemaline myopathy 6, autosomal dominant. Identifiers: Orphanet 171439, MedGen C1836472, MONDO:0012237, OMIM 609273.

Submission:

Labcorp Genetics (formerly Invitae), Labcorp
Classification: Uncertain significance for Nemaline myopathy 6. Last evaluated: 2022-08-27. Review status: criteria provided, single submitter. Criteria: Invitae Variant Classification Sherloc (09022015). Collection method: clinical testing. Allele origin: germline.
Comment: This sequence change replaces arginine, which is basic and polar, with glycine, which is neutral and non-polar, at codon 33 of the KBTBD13 protein (p.Arg33Gly). This variant is not present in population databases (gnomAD no frequency). This variant has not been reported in the literature in individuals affected with KBTBD13-related conditions. Algorithms developed to predict the effect of missense changes on protein structure and function are either unavailable or do not agree on the potential impact of this missense change (SIFT: "Tolerated"; PolyPhen-2: "Possibly Damaging"; Align-GVGD: "Class C0"). In summary, the available evidence is currently insufficient to determine the role of this variant in disease. Therefore, it has been classified as a Variant of Uncertain Significance.

NM_001101362.3(KBTBD13):c.97C>G (p.Arg33Gly)

Gene: KBTBD13 (kelch repeat and BTB domain containing 13; plus strand). Cytogenetic location: 15q22.31.
Variant type: single nucleotide variant.
Coding change: c.97C>G on transcript NM_001101362.3 (MANE Select); coding-DNA position 97, C replaced by G.
Protein change: p.Arg33Gly; replaces arginine 33 with glycine.
Molecular consequence: missense variant.
Genome position (GRCh38, 1-based): chr15:65,076,912, C>G. VCF-style: chr15-65076912-C-G. GRCh37 (hg19) VCF-style: chr15-65369250-C-G.
Other names: short protein forms R33G.
Identifiers: ClinVar variation 1927026 (VCV001927026.5), dbSNP rs796124473, ClinGen allele CA271502760.
Genomic context (GRCh38, chr15:65,076,912, plus strand): 5'-GTGGGCGGCCAGCTCTTCCAAGCCGACCGCGCCCTGCTGGTGGAGCACTGTGGCTTCTTC[C>G]GAGGCCTCTTCCGCTCCGGCATGCGGGAGACCCGCGCAGCAGAGGTGCGCCTGGGCGTTC-3'
Protein context (NP_001094832.1, residues 23-43): ALLVEHCGFF[Arg33Gly]GLFRSGMRET